The following is an entry in ClinVar:

ClinVar aggregate classification (germline): Conflicting classifications of pathogenicity. Review status: criteria provided, conflicting classifications (1 of 4 stars). 13 submissions from 13 submitters: Uncertain significance (1); Benign (5); Likely benign (5). 2 of the submissions do not count toward it. Last evaluated 2026-09-01.

Conditions:
Inborn genetic diseases. Identifiers: MedGen C0950123, MeSH D030342.
Hereditary spastic paraplegia 30. Identifiers: Orphanet 101010, MedGen C5235139, MONDO:0012476.
Neuropathy, hereditary sensory, type 2C. Also called: Hereditary sensory and autonomic neuropathy type IIC; KIF1A-Related HSAN2 (HSAN2C). Identifiers: Orphanet 970, MedGen C3280168, MONDO:0013634, OMIM 614213.
Intellectual disability, autosomal dominant 9 (NESCAVS). Also called: NESCAV SYNDROME; KIF1A-Related Neurodevelopmental Disorder. Identifiers: Orphanet 662367, MedGen C5393830, MONDO:0013656, OMIM 614255.
Hereditary spastic paraplegia. Also called: Familial spastic paraparesis. Identifiers: Orphanet 685, MedGen C0037773, MONDO:0019064. Disease mechanism: loss of function.

Allele frequency attached by ClinVar (database versions not stated): 1000 Genomes Project 30x 0.00109; 1000 Genomes Project 0.00140; TOPMed 0.00396; ESP Exome Variant Server 0.00431.
gnomAD v4.1: 7,128 of 1,613,776 alleles (0.44%); highest among the groups gnomAD compares: Non-Finnish European, 0.55%; 25 homozygotes.

Submissions (13):

CeGaT Center for Human Genetics Tuebingen
Classification: Likely benign. Last evaluated: 2026-09-01. Review status: criteria provided, single submitter. Criteria: CeGaT Center For Human Genetics Tuebingen Variant Classification Criteria Version 2. Collection method: clinical testing. Allele origin: germline. Affected: yes. Observed: 42 variant alleles.
Comment: KIF1A: BP4, BP7, BS2

Labcorp Genetics (formerly Invitae), Labcorp
Classification: Benign for Hereditary spastic paraplegia 30; Neuropathy, hereditary sensory, type 2C; Intellectual disability, autosomal dominant 9. Last evaluated: 2026-02-03. Review status: criteria provided, single submitter. Criteria: Invitae Variant Classification Sherloc (09022015). Collection method: clinical testing. Allele origin: germline.

ARUP Laboratories, Molecular Genetics and Genomics, ARUP Laboratories
Classification: Benign. Last evaluated: 2025-05-21. Review status: criteria provided, single submitter. Criteria: ARUP Molecular Germline Variant Investigation Process 2024. Collection method: clinical testing. Allele origin: germline.

Athena Diagnostics
Classification: Benign. Last evaluated: 2025-03-06. Review status: criteria provided, single submitter. Criteria: Athena Diagnostics Criteria. Collection method: clinical testing. Allele origin: unknown.
Comment: The frequency of this variant in the general population is higher than would generally be expected for pathogenic variants in this gene.

Blueprint Genetics
Classification: Likely benign. Last evaluated: 2024-11-25. Review status: criteria provided, single submitter. Criteria: ACMG Guidelines, 2015. Collection method: clinical testing. Allele origin: germline.

Mayo Clinic Laboratories, Mayo Clinic
Classification: Benign. Last evaluated: 2023-06-16. Review status: criteria provided, single submitter. Criteria: ACMG Guidelines, 2015. Collection method: clinical testing. Allele origin: germline. Observed: 22 variant alleles.
Comment: BA1, BP4, BP7

Genome Diagnostics Laboratory, The Hospital for Sick Children
Classification: Likely benign for Hereditary spastic paraplegia. Last evaluated: 2021-11-08. Review status: criteria provided, single submitter. Criteria: ACMG Guidelines, 2015. Collection method: clinical testing. Allele origin: germline. Affected: yes.

Illumina Laboratory Services, Illumina
Classification: Uncertain significance for Spastic paraplegia 30A, autosomal dominant. Last evaluated: 2018-01-13. Review status: criteria provided, single submitter. Criteria: ICSL Variant Classification Criteria 13 December 2019. Collection method: clinical testing. Allele origin: germline.

Genetic Services Laboratory, University of Chicago
Classification: Likely benign. Last evaluated: 2016-10-14. Review status: criteria provided, single submitter. Criteria: ACMG Guidelines, 2015. Collection method: clinical testing. Allele origin: germline. Affected: no.

Ambry Genetics
Classification: Likely benign for Inborn genetic diseases. Last evaluated: 2016-06-24. Review status: criteria provided, single submitter. Criteria: Ambry Variant Classification Scheme 2023. Collection method: clinical testing. Allele origin: germline.

GeneDx
Classification: Benign. Last evaluated: 2015-03-03. Review status: criteria provided, single submitter. Criteria: GeneDx Variant Classification Process June 2021. Collection method: clinical testing. Allele origin: germline. Affected: yes.

Clinical Genetics DNA and cytogenetics Diagnostics Lab, Erasmus MC, Erasmus Medical Center
Classification: Likely benign. Review status: no assertion criteria provided. Collection method: clinical testing. Allele origin: germline. Affected: yes. Study: VKGL Data-share Consensus. Not counted in ClinVar's aggregate classification.

Clinical Genetics, Academic Medical Center
Classification: Likely benign. Review status: no assertion criteria provided. Collection method: clinical testing. Allele origin: germline. Affected: yes. Study: VKGL Data-share Consensus. Not counted in ClinVar's aggregate classification.

Literature cited by the submitters: PubMed 21376300 (cited by Athena Diagnostics).

NM_001244008.2(KIF1A):c.204G>T (p.Ala68=)

Gene: KIF1A (kinesin family member 1A; minus strand). Cytogenetic location: 2q37.3.
Variant type: single nucleotide variant.
Coding change: c.204G>T on transcript NM_001244008.2 (MANE Select); coding-DNA position 204, G replaced by T.
Protein change: p.Ala68=; no amino-acid change (alanine 68 retained).
Molecular consequence: synonymous variant.
Genome position (GRCh38, 1-based): chr2:240,788,210, C>A on the plus strand (G>T on the coding strand, the complement: KIF1A is on the minus strand). VCF-style: chr2-240788210-C-A. GRCh37 (hg19) VCF-style: chr2-241727627-C-A.
Other names: p.Ala68=; c.204G>T (NM_004321.7); c.204G>T, p.Ala68= (NM_001320705.2, NM_001330289.2, NM_001330290.2 and 20 more transcripts).
Identifiers: ClinVar variation 335282 (VCV000335282.77), dbSNP rs141052770, ClinGen allele CA2208850.